The following is an entry in ClinVar:

NM_172107.4(KCNQ2):c.1049dup (p.Asn350fs)

Gene: KCNQ2 (potassium voltage-gated channel subfamily Q member 2; minus strand). Cytogenetic location: 20q13.33.
Variant type: Duplication.
Coding change: c.1049dup on transcript NM_172107.4 (MANE Select); coding-DNA position 1049, one base duplicated (A; older notation c.1049dupA).
Protein change: p.Asn350fs; shifts the reading frame from asparagine 350.
Molecular consequence: frameshift variant.
Genome position (GRCh38, 1-based): chr20:63,433,878, T duplicated on the plus strand (A on the coding strand, the reverse complement: KCNQ2 is on the minus strand); the first of 2 consecutive T bases (chr20:63,433,878-63,433,879); duplicating either gives the same sequence. VCF-style (leftmost placement, unchanged base first): chr20-63433877-G-GT. GRCh37 (hg19) VCF-style: chr20-62065230-G-GT.
Other names: c.1049dup, p.Asn350fs (NM_001382235.1, NM_004518.6, NM_172106.3 and 2 more transcripts); short protein forms N350fs.
Identifiers: ClinVar variation 2100409 (VCV002100409.4), dbSNP rs2516364432, ClinGen allele CA2580098415.
Genomic context (GRCh38, chr20:63,433,877, plus strand): 5'-GGGCACGGTGACCGTTCGCTCGTAGTACTGCCACGTGGAGTGCAGGTCTGTGCGCGAGAG[G>GT]TTGGTGGCGTAGAATCTCCAGGCCGACTGCGGAGGGAAAGACAAGGCAGTTGGCGAGGGG-3'

ClinVar aggregate classification (germline): Pathogenic (1 of 4 stars; one submission).

Conditions:
Early-infantile DEE. Also called: Early infantile epileptic encephalopathy; Early infantile epileptic encephalopathy with suppression bursts; Ohtahara syndrome. Identifiers: Orphanet 1934, MedGen C0393706, MONDO:0800491.

Submission:

Labcorp Genetics (formerly Invitae), Labcorp
Classification: Pathogenic for Early-infantile DEE. Last evaluated: 2024-08-28. Review status: criteria provided, single submitter. Criteria: Invitae Variant Classification Sherloc (09022015). Collection method: clinical testing. Allele origin: germline.
Comment: This sequence change creates a premature translational stop signal (p.Asn350Lysfs*51) in the KCNQ2 gene. It is expected to result in an absent or disrupted protein product. Loss-of-function variants in KCNQ2 are known to be pathogenic (PMID: 14534157, 23692823, 27779742). This variant is not present in population databases (gnomAD no frequency). This variant has not been reported in the literature in individuals affected with KCNQ2-related conditions. ClinVar contains an entry for this variant (Variation ID: 2100409). For these reasons, this variant has been classified as Pathogenic.

Literature cited by the submitters: PubMed 14534157; PubMed 23692823; PubMed 27779742.